The following is an entry in ClinVar:

NM_032037.4(TSSK6):c.606C>T (p.Leu202=)

Gene: TSSK6 (testis specific serine kinase 6; minus strand). Cytogenetic location: 19p13.11.
Variant type: single nucleotide variant.
Coding change: c.606C>T on transcript NM_032037.4 (MANE Select); coding-DNA position 606, C replaced by T.
Protein change: p.Leu202=; no amino-acid change (leucine 202 retained).
Molecular consequence: synonymous variant.
Genome position (GRCh38, 1-based): chr19:19,514,822, G>A on the plus strand (C>T on the coding strand, the complement: TSSK6 is on the minus strand). VCF-style: chr19-19514822-G-A. GRCh37 (hg19) VCF-style: chr19-19625631-G-A.
Identifiers: ClinVar variation 2649608 (VCV002649608.24), dbSNP rs61743681, ClinGen allele CA9327367.

ClinVar aggregate classification (germline): Likely benign (1 of 4 stars; one submission).

Allele frequency attached by ClinVar (database versions not stated): 1000 Genomes Project 30x 0.00109; 1000 Genomes Project 0.00140; TOPMed 0.00274; gnomAD 0.00275; ESP Exome Variant Server 0.00338; ExAC 0.00370.
gnomAD v4.1: 5,282 of 1,600,046 alleles (0.33%); highest among the groups gnomAD compares: Non-Finnish European, 0.35%; 13 homozygotes.

Submission:

CeGaT Center for Human Genetics Tuebingen
Classification: Likely benign. Last evaluated: 2022-04-01. Review status: criteria provided, single submitter. Criteria: CeGaT Center For Human Genetics Tuebingen Variant Classification Criteria Version 2. Collection method: clinical testing. Allele origin: germline. Affected: yes. Observed: 1 variant allele.
Comment: TSSK6: BP4, BS2